The following continues an entry in ClinVar:

NM_007194.4(CHEK2):c.931G>A (p.Asp311Asn)

Gene: CHEK2. ClinVar aggregate classification (germline): Conflicting classifications of pathogenicity. Uncertain significance (13); Likely benign (3).

Submissions 11 to 17 of 17:

Department of Pathology and Laboratory Medicine, Sinai Health System
Classification: Uncertain significance for hereditary nonpolyposis colon cancer. Last evaluated: 2023-11-06. Review status: criteria provided, single submitter. Criteria: ACMG Guidelines, 2015. Collection method: clinical testing. Allele origin: germline. Affected: no.

KCCC/NGS Laboratory, Kuwait Cancer Control Center
Classification: Uncertain significance for Familial cancer of breast. Last evaluated: 2023-07-07. Review status: criteria provided, single submitter. Criteria: ACMG Guidelines, 2015. Collection method: clinical testing. Allele origin: unknown. Affected: yes.
Comment: This sequence change replaces aspartic acid with asparagine at codon 311 of the CHEK2 protein (p.Asp311Asn). The aspartic acid residue is highly conserved and there is a small physicochemical difference between aspartic acid and asparagine. This variant has been reported in individuals affected with breast cancer (PMID: 21244692, 26976419). ClinVar contains an entry for this variant (Variation ID: 142266) with 5 submissions describing this variant as of uncertain significance. This variant has been reported not to substantially affect CHEK2 protein function (PMID: 30851065). In-silico prediction show benign computational verdict based on 7 benign predictions from BayesDel_addAF, DEOGEN2, EIGEN, MVP, MutationAssessor, PrimateAI and REVEL vs 6 pathogenic predictions from DANN, FATHMM-MKL, LIST-S2, M-CAP, MutationTaster and SIFT. Therefore, it has been classified as a Variant of Uncertain Significance.

Revvity Omics, Revvity
Classification: Uncertain significance. Last evaluated: 2023-07-07. Review status: criteria provided, single submitter. Criteria: ACMG Guidelines, 2015. Collection method: clinical testing. Allele origin: germline.

Myriad Genetics, Inc.
Classification: Uncertain significance for Familial cancer of breast. Last evaluated: 2023-03-09. Review status: criteria provided, single submitter. Criteria: Myriad Autosomal Dominant, Autosomal Recessive and X-Linked Classification Criteria (2023). Collection method: clinical testing. Allele origin: unknown.
Comment: This variant is classified as a variant of uncertain significance as there is insufficient evidence to determine its impact on protein function and/or cancer risk.

Fulgent Genetics
Classification: Uncertain significance for Familial cancer of breast; Colorectal cancer; Familial prostate cancer; Bone osteosarcoma; CHEK2-related cancer predisposition. Last evaluated: 2022-04-25. Review status: criteria provided, single submitter. Criteria: ACMG Guidelines, 2015. Collection method: clinical testing. Allele origin: unknown.

Sema4
Classification: Uncertain significance for Hereditary cancer-predisposing syndrome. Last evaluated: 2021-12-17. Review status: criteria provided, single submitter. Criteria: Sema4 Curation Guidelines. Collection method: curation. Allele origin: germline.
Comment: The CHEK2 c.931G>A (p.D311N) variant has been reported in individuals with breast cancer (PMID: 26976419, 21244692). In addition, a large case-control study reported the variant in 1/60466 breast cancer cases and in 1/53461 controls (PMID: 33471991). It was observed in 7/113748 chromosomes of the Non-Finnish European subpopulation in the large and broad cohorts of the Genome Aggregation Database (PMID: 32461654). The variant has been reported in ClinVar (Variation ID 142266). A functional study reported similar to normal function (PMID: 30851065). The evidence is insufficient to meet ACMG/AMP criteria for classifying the variant as benign or pathogenic. Thus, the clinical significance of this variant is currently uncertain.

Counsyl
Classification: Uncertain significance for Familial cancer of breast. Last evaluated: 2016-08-29. Review status: no assertion criteria provided. Collection method: clinical testing. Allele origin: unknown. Not counted in ClinVar's aggregate classification.

Literature cited by the submitters: PubMed 21244692 (cited by 9 submitters); PubMed 25186627 (cited by 3 submitters); PubMed 26976419 (cited by 8 submitters); PubMed 30851065 (cited by 7 submitters); PubMed 34371384 (cited by Women's Health and Genetics/Laboratory Corporation of America, LabCorp and Labcorp Genetics (formerly Invitae), Labcorp); PubMed 33471991 (cited by 3 submitters).